The following is an entry in ClinVar:

ClinVar aggregate classification (germline): Uncertain significance (1 of 4 stars; one submission).

Submission:

Labcorp Genetics (formerly Invitae), Labcorp
Classification: Uncertain significance. Last evaluated: 2023-12-19. Review status: criteria provided, single submitter. Criteria: Invitae Variant Classification Sherloc (09022015). Collection method: clinical testing. Allele origin: germline.
Comment: This sequence change replaces proline, which is neutral and non-polar, with serine, which is neutral and polar, at codon 252 of the SAMD11 protein (p.Pro252Ser). This variant is not present in population databases (gnomAD no frequency). This variant has not been reported in the literature in individuals affected with SAMD11-related conditions. ClinVar contains an entry for this variant (Variation ID: 2132616). An algorithm developed to predict the effect of missense changes on protein structure and function (PolyPhen-2) suggests that this variant is likely to be disruptive. In summary, the available evidence is currently insufficient to determine the role of this variant in disease. Therefore, it has been classified as a Variant of Uncertain Significance.

NM_001385641.1(SAMD11):c.1243C>T (p.Pro415Ser)

Gene: SAMD11 (sterile alpha motif domain containing 11; plus strand). Cytogenetic location: 1p36.33.
Variant type: single nucleotide variant.
Coding change: c.1243C>T on transcript NM_001385641.1 (MANE Select); coding-DNA position 1243, C replaced by T.
Protein change: p.Pro415Ser; replaces proline 415 with serine.
Molecular consequence: missense variant.
Genome position (GRCh38, 1-based): chr1:941,191, C>T. VCF-style: chr1-941191-C-T. GRCh37 (hg19) VCF-style: chr1-876571-C-T.
Other names: c.1246C>T, p.Pro416Ser (NM_001385640.1); c.754C>T, p.Pro252Ser (NM_152486.4); short protein forms P416S, P252S, P415S.
Identifiers: ClinVar variation 2132616 (VCV002132616.3), dbSNP rs2522696948, ClinGen allele CA337803372.